The following is an entry in ClinVar:

ClinVar aggregate classification (germline): Uncertain significance. Review status: criteria provided, multiple submitters, no conflicts (2 of 4 stars). 2 submissions from 2 submitters: Uncertain significance (2). Last evaluated 2025-02-14.

Conditions:
Baller-Gerold syndrome (BGS). Also called: CRANIOSYNOSTOSIS WITH RADIAL DEFECTS. Identifiers: Orphanet 1225, MedGen C0265308, MONDO:0009039, OMIM 218600.
Inborn genetic diseases. Identifiers: MedGen C0950123, MeSH D030342.

Allele frequency attached by ClinVar (database versions not stated): TOPMed 0.00002.

Submissions (2):

Ambry Genetics
Classification: Uncertain significance for Inborn genetic diseases. Last evaluated: 2025-02-14. Review status: criteria provided, single submitter. Criteria: Ambry Variant Classification Scheme 2023. Collection method: clinical testing. Allele origin: germline.
Comment: The p.Q475H variant (also known as c.1425G>C), located in coding exon 8 of the RECQL4 gene, results from a G to C substitution at nucleotide position 1425. The glutamine at codon 475 is replaced by histidine, an amino acid with highly similar properties. This amino acid position is conserved. In addition, this alteration is predicted to be tolerated by in silico analysis. Based on the available evidence, the clinical significance of this variant remains unclear.

Labcorp Genetics (formerly Invitae), Labcorp
Classification: Uncertain significance for Baller-Gerold syndrome. Last evaluated: 2021-10-10. Review status: criteria provided, single submitter. Criteria: Invitae Variant Classification Sherloc (09022015). Collection method: clinical testing. Allele origin: germline.
Comment: ClinVar contains an entry for this variant (Variation ID: 941210). In summary, the available evidence is currently insufficient to determine the role of this variant in disease. Therefore, it has been classified as a Variant of Uncertain Significance. Experimental studies and prediction algorithms are not available or were not evaluated, and the functional significance of this variant is currently unknown. This variant has not been reported in the literature in individuals affected with RECQL4-related conditions. This variant is not present in population databases (ExAC no frequency). This sequence change replaces glutamine with histidine at codon 475 of the RECQL4 protein (p.Gln475His). The glutamine residue is moderately conserved and there is a small physicochemical difference between glutamine and histidine.

NM_004260.4(RECQL4):c.1425G>C (p.Gln475His)

Gene: RECQL4 (RecQ like helicase 4; minus strand). Cytogenetic location: 8q24.3.
Variant type: single nucleotide variant.
Coding change: c.1425G>C on transcript NM_004260.4 (MANE Select); coding-DNA position 1425, G replaced by C.
Protein change: p.Gln475His; replaces glutamine 475 with histidine.
Molecular consequence: missense variant.
Genome position (GRCh38, 1-based): chr8:144,515,208, C>G on the plus strand (G>C on the coding strand, the complement: RECQL4 is on the minus strand). VCF-style: chr8-144515208-C-G. GRCh37 (hg19) VCF-style: chr8-145740592-C-G.
Other names: short protein forms Q475H.
Identifiers: ClinVar variation 941210 (VCV000941210.7), dbSNP rs1263862786, ClinGen allele CA372684906.